The following is an entry in ClinVar:

NM_207352.4(CYP4V2):c.1169G>C (p.Arg390Pro)

Gene: CYP4V2 (cytochrome P450 family 4 subfamily V member 2; plus strand). Cytogenetic location: 4q35.2.
Variant type: single nucleotide variant.
Coding change: c.1169G>C on transcript NM_207352.4 (MANE Select); coding-DNA position 1169, G replaced by C.
Protein change: p.Arg390Pro; replaces arginine 390 with proline.
Molecular consequence: missense variant.
Genome position (GRCh38, 1-based): chr4:186,208,943, G>C. VCF-style: chr4-186208943-G-C. GRCh37 (hg19) VCF-style: chr4-187130097-G-C.
Other names: short protein forms R390P.
Identifiers: ClinVar variation 2713062 (VCV002713062.3), dbSNP rs199476201, ClinGen allele CA358950220.

ClinVar aggregate classification (germline): Uncertain significance (1 of 4 stars; one submission).

Submission:

Labcorp Genetics (formerly Invitae), Labcorp
Classification: Uncertain significance. Last evaluated: 2024-04-10. Review status: criteria provided, single submitter. Criteria: Invitae Variant Classification Sherloc (09022015). Collection method: clinical testing. Allele origin: germline.
Comment: This sequence change replaces arginine, which is basic and polar, with proline, which is neutral and non-polar, at codon 390 of the CYP4V2 protein (p.Arg390Pro). This variant is not present in population databases (gnomAD no frequency). This variant has not been reported in the literature in individuals affected with CYP4V2-related conditions. Advanced modeling of protein sequence and biophysical properties (such as structural, functional, and spatial information, amino acid conservation, physicochemical variation, residue mobility, and thermodynamic stability) performed at Invitae indicates that this missense variant is expected to disrupt CYP4V2 protein function with a positive predictive value of 80%. This variant disrupts the p.Arg390 amino acid residue in CYP4V2. Other variant(s) that disrupt this residue have been determined to be pathogenic (PMID: 21565171, 33090715). This suggests that this residue is clinically significant, and that variants that disrupt this residue are likely to be disease-causing. In summary, the available evidence is currently insufficient to determine the role of this variant in disease. Therefore, it has been classified as a Variant of Uncertain Significance.

Literature cited by the submitters: PubMed 21565171; PubMed 33090715.